The following is an entry in ClinVar:

ClinVar aggregate classification (germline): Benign/Likely benign. Review status: criteria provided, multiple submitters, no conflicts (2 of 4 stars). 2 submissions from 2 submitters: Benign (1); Likely benign (1). Last evaluated 2026-07-28.

Conditions:
Hereditary pheochromocytoma and paraganglioma. Also called: Hereditary Paraganglioma-Pheochromocytoma Syndromes; Hereditary paragangliomas and pheochromocytomas; Hereditary pheochromocytoma-paraganglioma. Identifiers: Orphanet 29072, MedGen C4274332, MONDO:0017366.

gnomAD v4.1: 2 of 1,462,148 alleles (0.00014%); highest among the groups gnomAD compares: South Asian, 0.0014%; no homozygotes.

Submissions (2):

Myriad Genetics, Inc.
Classification: Benign for Hereditary pheochromocytoma and paraganglioma. Last evaluated: 2026-07-28. Review status: criteria provided, single submitter. Criteria: Myriad Autosomal Dominant, Autosomal Recessive and X-Linked Classification Criteria (2023). Collection method: clinical testing. Allele origin: unknown.
Comment: This variant is considered benign. This variant is a silent/synonymous amino acid change and it is not expected to impact splicing.

Labcorp Genetics (formerly Invitae), Labcorp
Classification: Likely benign for Hereditary pheochromocytoma and paraganglioma. Last evaluated: 2024-03-01. Review status: criteria provided, single submitter. Criteria: Invitae Variant Classification Sherloc (09022015). Collection method: clinical testing. Allele origin: germline.

NM_017849.4(TMEM127):c.9C>T (p.Ala3=)

Genes: TMEM127 (transmembrane protein 127; minus strand), LOC129934333 (ATAC-STARR-seq lymphoblastoid silent region 11759; plus strand). Cytogenetic location: 2q11.2.
Variant type: single nucleotide variant.
Coding change: c.9C>T on transcript NM_017849.4 (MANE Select); coding-DNA position 9, C replaced by T.
Protein change: p.Ala3=; no amino-acid change (alanine 3 retained).
Molecular consequence: synonymous variant. On other transcripts: intron variant (1).
Genome position (GRCh38, 1-based): chr2:96,265,373, G>A on the plus strand (C>T on the coding strand, the complement: TMEM127 is on the minus strand). VCF-style: chr2-96265373-G-A. GRCh37 (hg19) VCF-style: chr2-96931111-G-A.
Other names: c.9C>T, p.Ala3= (NM_001193304.3); c.-9+496C>T (NM_001407283.1).
Identifiers: ClinVar variation 3625037 (VCV003625037.3).